The following is an entry in ClinVar:

NM_153682.3(PIGP):c.308dup (p.Tyr103Ter)

Gene: PIGP (phosphatidylinositol glycan anchor biosynthesis class P; minus strand). Cytogenetic location: 21q22.13.
Variant type: Duplication.
Coding change: c.308dup on transcript NM_153682.3 (MANE Select); coding-DNA position 308, one base duplicated (A; older notation c.308dupA).
Protein change: p.Tyr103Ter; replaces tyrosine 103 with a stop codon.
Molecular consequence: nonsense.
Genome position (GRCh38, 1-based): chr21:37,065,679, T duplicated on the plus strand (A on the coding strand, the reverse complement: PIGP is on the minus strand). VCF-style (leftmost placement, unchanged base first): chr21-37065678-G-GT. GRCh37 (hg19) VCF-style: chr21-38437978-G-GT.
Other names: c.308dup, p.Tyr103Ter (NM_001320480.2); c.230dup, p.Tyr77Ter (NM_016430.4); c.380dup, p.Tyr127Ter (NM_153681.2); short protein forms Y77*, Y103*, Y127*.
Identifiers: ClinVar variation 1388806 (VCV001388806.7), dbSNP rs2146804245, ClinGen allele CA2573157407.

ClinVar aggregate classification (germline): Uncertain significance. Review status: criteria provided, multiple submitters, no conflicts (2 of 4 stars). 2 submissions from 2 submitters: Uncertain significance (2). Last evaluated 2025-05-01.

Submissions (2):

GeneDx
Classification: Uncertain significance. Last evaluated: 2025-05-01. Review status: criteria provided, single submitter. Criteria: GeneDx Variant Classification Process June 2021. Collection method: clinical testing. Allele origin: germline. Affected: yes.
Comment: Not observed at significant frequency in large population cohorts (gnomAD); Nonsense variant predicted to result in protein truncation as the last 32 amino acids are lost; Has not been previously published as pathogenic or benign to our knowledge

Labcorp Genetics (formerly Invitae), Labcorp
Classification: Uncertain significance. Last evaluated: 2021-04-18. Review status: criteria provided, single submitter. Criteria: Invitae Variant Classification Sherloc (09022015). Collection method: clinical testing. Allele origin: germline.
Comment: Experimental studies and prediction algorithms are not available or were not evaluated, and the functional significance of this variant is currently unknown. In summary, the available evidence is currently insufficient to determine the role of this variant in disease. Therefore, it has been classified as a Variant of Uncertain Significance. This variant has not been reported in the literature in individuals with PIGP-related conditions. This variant is not present in population databases (ExAC no frequency). This sequence change creates a premature translational stop signal (p.Tyr127*) in the PIGP gene. While this is not anticipated to result in nonsense mediated decay, it is expected to disrupt the last 32 amino acid(s) of the PIGP protein.